The following is an entry in ClinVar:

NM_000135.4(FANCA):c.976C>G (p.Gln326Glu)

Gene: FANCA (FA complementation group A; minus strand). Cytogenetic location: 16q24.3.
Variant type: single nucleotide variant.
Coding change: c.976C>G on transcript NM_000135.4 (MANE Select); coding-DNA position 976, C replaced by G.
Protein change: p.Gln326Glu; replaces glutamine 326 with glutamic acid.
Molecular consequence: missense variant.
Genome position (GRCh38, 1-based): chr16:89,795,936, G>C on the plus strand (C>G on the coding strand, the complement: FANCA is on the minus strand). VCF-style: chr16-89795936-G-C. GRCh37 (hg19) VCF-style: chr16-89862344-G-C.
Other names: c.976C>G, p.Gln326Glu (NM_001286167.3); short protein forms Q326E.
Identifiers: ClinVar variation 2177794 (VCV002177794.2), dbSNP rs758641682, ClinGen allele CA8252607.

ClinVar aggregate classification (germline): Uncertain significance. Review status: criteria provided, multiple submitters, no conflicts (2 of 4 stars). 2 submissions from 2 submitters: Uncertain significance (2). Last evaluated 2025-03-04.

Conditions:
Inborn genetic diseases. Identifiers: MedGen C0950123, MeSH D030342.
Fanconi anemia (FA). Also called: Fanconi's anemia. Identifiers: Orphanet 84, MedGen C0015625, MeSH D005199, MONDO:0019391.

Submissions (2):

Ambry Genetics
Classification: Uncertain significance for Inborn genetic diseases. Last evaluated: 2025-03-04. Review status: criteria provided, single submitter. Criteria: Ambry Variant Classification Scheme 2023. Collection method: clinical testing. Allele origin: germline.
Comment: The p.Q326E variant (also known as c.976C>G), located in coding exon 11 of the FANCA gene, results from a C to G substitution at nucleotide position 976. The glutamine at codon 326 is replaced by glutamic acid, an amino acid with highly similar properties. This amino acid position is conserved. In addition, this alteration is predicted to be tolerated by in silico analysis. Based on the available evidence, the clinical significance of this variant remains unclear.

Labcorp Genetics (formerly Invitae), Labcorp
Classification: Uncertain significance for Fanconi anemia. Last evaluated: 2022-03-28. Review status: criteria provided, single submitter. Criteria: Invitae Variant Classification Sherloc (09022015). Collection method: clinical testing. Allele origin: germline.
Comment: This sequence change replaces glutamine, which is neutral and polar, with glutamic acid, which is acidic and polar, at codon 326 of the FANCA protein (p.Gln326Glu). This variant is present in population databases (rs758641682, gnomAD 0.006%). This variant has not been reported in the literature in individuals affected with FANCA-related conditions. Advanced modeling of protein sequence and biophysical properties (such as structural, functional, and spatial information, amino acid conservation, physicochemical variation, residue mobility, and thermodynamic stability) performed at Invitae indicates that this missense variant is not expected to disrupt FANCA protein function. In summary, the available evidence is currently insufficient to determine the role of this variant in disease. Therefore, it has been classified as a Variant of Uncertain Significance.